The following is an entry in ClinVar:

NM_182914.3(SYNE2):c.15413C>T (p.Thr5138Met)

Gene: SYNE2 (spectrin repeat containing nuclear envelope protein 2; plus strand). Cytogenetic location: 14q23.2.
Variant type: single nucleotide variant.
Coding change: c.15413C>T on transcript NM_182914.3 (MANE Select); coding-DNA position 15413, C replaced by T.
Protein change: p.Thr5138Met; replaces threonine 5138 with methionine.
Molecular consequence: missense variant.
Genome position (GRCh38, 1-based): chr14:64,143,878, C>T. VCF-style: chr14-64143878-C-T. GRCh37 (hg19) VCF-style: chr14-64610596-C-T.
Other names: c.15413C>T, p.Thr5138Met (NM_015180.6); short protein forms T5138M.
Identifiers: ClinVar variation 881822 (VCV000881822.15), dbSNP rs145018323, ClinGen allele CA7223073.

ClinVar aggregate classification (germline): Conflicting classifications of pathogenicity. Review status: criteria provided, conflicting classifications (1 of 4 stars). 5 submissions from 5 submitters: Uncertain significance (4); Likely benign (1). Last evaluated 2025-06-01.

Conditions:
SYNE2-related disorder. Also called: SYNE2-related condition.
Emery-Dreifuss muscular dystrophy 5, autosomal dominant (EDMD5). Also called: EMERY-DREIFUSS MUSCULAR DYSTROPHY 5. Identifiers: Orphanet 261, MedGen C2751805, MONDO:0013072, OMIM 612999.

Allele frequency attached by ClinVar (database versions not stated): TOPMed 0.00009; gnomAD 0.00010 and 0.00011; ESP Exome Variant Server 0.00023.
gnomAD v4.1: 114 of 1,614,010 alleles (0.0071%); highest among the groups gnomAD compares: Middle Eastern, 0.016%; no homozygotes.

Submissions (5):

Labcorp Genetics (formerly Invitae), Labcorp
Classification: Uncertain significance for Emery-Dreifuss muscular dystrophy 5, autosomal dominant. Last evaluated: 2025-06-01. Review status: criteria provided, single submitter. Criteria: Invitae Variant Classification Sherloc (09022015). Collection method: clinical testing. Allele origin: germline.
Comment: This sequence change replaces threonine, which is neutral and polar, with methionine, which is neutral and non-polar, at codon 5138 of the SYNE2 protein (p.Thr5138Met). This variant is present in population databases (rs145018323, gnomAD 0.01%). This variant has not been reported in the literature in individuals affected with SYNE2-related conditions. ClinVar contains an entry for this variant (Variation ID: 881822). An algorithm developed to predict the effect of missense changes on protein structure and function (PolyPhen-2) suggests that this variant is likely to be disruptive. In summary, the available evidence is currently insufficient to determine the role of this variant in disease. Therefore, it has been classified as a Variant of Uncertain Significance.

Athena Diagnostics
Classification: Uncertain significance. Last evaluated: 2023-11-01. Review status: criteria provided, single submitter. Criteria: Athena Diagnostics Criteria. Collection method: clinical testing. Allele origin: unknown.
Comment: Available data are insufficient to determine the clinical significance of the variant at this time. The frequency of this variant in the general population is uninformative in assessment of its pathogenicity. Computational tools disagree on the variant's effect on normal protein function.

PreventionGenetics, part of Exact Sciences
Classification: Uncertain significance for SYNE2-related condition. Last evaluated: 2023-02-22. Review status: criteria provided, single submitter. Criteria: ACMG Guidelines, 2015. Collection method: clinical testing. Allele origin: germline.
Comment: The SYNE2 c.15413C>T variant is predicted to result in the amino acid substitution p.Thr5138Met. To our knowledge, this variant has not been reported in the literature. This variant is reported in 0.016% of alleles in individuals of European (Non-Finnish) descent in gnomAD. At this time, the clinical significance of this variant is uncertain due to the absence of conclusive functional and genetic evidence.

Revvity Omics, Revvity
Classification: Uncertain significance for Emery-Dreifuss muscular dystrophy 5, autosomal dominant. Last evaluated: 2019-10-30. Review status: criteria provided, single submitter. Criteria: ACMG Guidelines, 2015. Collection method: clinical testing. Allele origin: germline.

Illumina Laboratory Services, Illumina
Classification: Likely benign for Emery-Dreifuss muscular dystrophy 5, autosomal dominant. Last evaluated: 2018-01-12. Review status: criteria provided, single submitter. Criteria: ICSL Variant Classification Criteria 13 December 2019. Collection method: clinical testing. Allele origin: germline.
Comment: This variant was observed in the ICSL laboratory as part of a predisposition screen in an ostensibly healthy population. It had not been previously curated by ICSL or reported in the Human Gene Mutation Database (HGMD: prior to June 1st, 2018), and was therefore a candidate for classification through an automated scoring system. Utilizing variant allele frequency, disease prevalence and penetrance estimates, and inheritance mode, an automated score was calculated to assess if this variant is too frequent to cause the disease. Based on the score and internal cut-off values, a variant classified as likely benign is not then subjected to further curation. The score for this variant resulted in a classification of likely benign for this disease.

Literature cited by the submitters: PubMed 31677916 (cited by Athena Diagnostics).